The following is an entry in ClinVar:

NM_016222.4(DDX41):c.717CAT[1] (p.Ile240del)

Gene: DDX41 (DEAD-box helicase 41; minus strand). Cytogenetic location: 5q35.3.
Variant type: Microsatellite.
Coding change: c.717CAT[1] on transcript NM_016222.4 (MANE Select); one copy of the 3-base unit CAT starting at c.717; the reference has two copies in a row; one copy, 3 bases deleted.
Protein change: p.Ile240del; deletes isoleucine 240.
Genome position (GRCh38, 1-based): chr5:177,514,992-177,514,994, ATG deleted on the plus strand (CAT on the coding strand, the reverse complement: DDX41 is on the minus strand); deleting any 3 consecutive bases within chr5:177,514,992-177,514,998 gives the same sequence; the position shown is the placement nearest the transcript's 3' end. VCF-style (leftmost placement, unchanged base first): chr5-177514991-CATG-C. GRCh37 (hg19) VCF-style: chr5-176941992-CATG-C.
Other names: c.339CAT[1], p.Ile114del (NM_001321732.2, NM_001321830.2); short protein forms I240del, I114del.
Identifiers: ClinVar variation 4238716 (VCV004238716.1).

ClinVar aggregate classification (germline): Uncertain significance (1 of 4 stars; one submission).

Conditions:
Inborn genetic diseases. Identifiers: MedGen C0950123, MeSH D030342.

Submission:

Ambry Genetics
Classification: Uncertain significance for Inborn genetic diseases. Last evaluated: 2025-06-17. Review status: criteria provided, single submitter. Criteria: Ambry Variant Classification Scheme 2023. Collection method: clinical testing. Allele origin: germline.
Comment: The c.720_722delCAT variant (also known as p.I240del) is located in coding exon 8 of the DDX41 gene. This variant results from an in-frame CAT deletion at nucleotide positions 720 to 722. This results in the in-frame deletion of an isoleucine at codon 240. This amino acid position is highly conserved in available vertebrate species. In addition, this variant is predicted to be deleterious by in silico analysis (Choi Y et al. PLoS ONE. 2012; 7(10):e46688). Based on the available evidence, the clinical significance of this variant remains unclear.